The following is an entry in ClinVar:

ClinVar aggregate classification (germline): Uncertain significance (1 of 4 stars; one submission).

Conditions:
Birt-Hogg-Dube syndrome. Also called: Birt Hogg Dubé syndrome. Identifiers: Orphanet 122, MedGen C0346010, MONDO:0800444.

Submission:

Labcorp Genetics (formerly Invitae), Labcorp
Classification: Uncertain significance for Birt-Hogg-Dube syndrome. Last evaluated: 2020-12-31. Review status: criteria provided, single submitter. Criteria: Invitae Variant Classification Sherloc (09022015). Collection method: clinical testing. Allele origin: germline.
Comment: Algorithms developed to predict the effect of missense changes on protein structure and function output the following: SIFT: "Tolerated"; PolyPhen-2: "Benign"; Align-GVGD: "Class C0". The serine amino acid residue is found in multiple mammalian species, suggesting that this missense change does not adversely affect protein function. These predictions have not been confirmed by published functional studies and their clinical significance is uncertain. In summary, the available evidence is currently insufficient to determine the role of this variant in disease. Therefore, it has been classified as a Variant of Uncertain Significance. This variant has not been reported in the literature in individuals with FLCN-related conditions. This variant is not present in population databases (ExAC no frequency). This sequence change replaces proline with serine at codon 39 of the FLCN protein (p.Pro39Ser). The proline residue is weakly conserved and there is a moderate physicochemical difference between proline and serine.

NM_144997.7(FLCN):c.115C>T (p.Pro39Ser)

Gene: FLCN (folliculin; minus strand). Cytogenetic location: 17p11.2.
Variant type: single nucleotide variant.
Coding change: c.115C>T on transcript NM_144997.7 (MANE Select); coding-DNA position 115, C replaced by T.
Protein change: p.Pro39Ser; replaces proline 39 with serine.
Molecular consequence: missense variant.
Genome position (GRCh38, 1-based): chr17:17,228,023, G>A on the plus strand (C>T on the coding strand, the complement: FLCN is on the minus strand). VCF-style: chr17-17228023-G-A. GRCh37 (hg19) VCF-style: chr17-17131337-G-A.
Other names: c.115C>T, p.Pro39Ser (NM_001353229.2, NM_001353230.2, NM_001353231.2 and 1 more transcripts); short protein forms P39S.
Identifiers: ClinVar variation 1422865 (VCV001422865.8), dbSNP rs1060502375, ClinGen allele CA398535299.